The following is an entry in ClinVar:

ClinVar aggregate classification (germline): Uncertain significance. Review status: criteria provided, multiple submitters, no conflicts (2 of 4 stars). 2 submissions from 2 submitters: Uncertain significance (2). Last evaluated 2026-07-07.

Conditions:
Gorlin syndrome. Also called: Nevoid Basal Cell Carcinoma Syndrome; Basal cell nevus syndrome. Identifiers: Orphanet 377, MedGen C0004779, MONDO:0007187.
Hereditary cancer-predisposing syndrome. Also called: Hereditary Cancer Syndrome; Hereditary neoplastic syndrome; Neoplastic Syndromes, Hereditary; Tumor predisposition. Identifiers: Orphanet 140162, MedGen C0027672, MeSH D009386, MONDO:0015356.

Allele frequency attached by ClinVar (database versions not stated): gnomAD exomes below 0.00001.

Submissions (2):

Ambry Genetics
Classification: Uncertain significance for Hereditary cancer-predisposing syndrome. Last evaluated: 2026-07-07. Review status: criteria provided, single submitter. Criteria: Ambry Variant Classification Scheme 2023. Collection method: clinical testing. Allele origin: germline.
Comment: The p.C474F variant (also known as c.1421G>T), located in coding exon 12 of the PTCH1 gene, results from a G to T substitution at nucleotide position 1421. The cysteine at codon 474 is replaced by phenylalanine, an amino acid with highly dissimilar properties. This amino acid position is conserved. In addition, this alteration is predicted to be deleterious by in silico analysis. Based on the available evidence, the clinical significance of this variant remains unclear.

Labcorp Genetics (formerly Invitae), Labcorp
Classification: Uncertain significance for Gorlin syndrome. Last evaluated: 2022-12-31. Review status: criteria provided, single submitter. Criteria: Invitae Variant Classification Sherloc (09022015). Collection method: clinical testing. Allele origin: germline.
Comment: In summary, the available evidence is currently insufficient to determine the role of this variant in disease. Therefore, it has been classified as a Variant of Uncertain Significance. Advanced modeling of protein sequence and biophysical properties (such as structural, functional, and spatial information, amino acid conservation, physicochemical variation, residue mobility, and thermodynamic stability) has been performed at Invitae for this missense variant, however the output from this modeling did not meet the statistical confidence thresholds required to predict the impact of this variant on PTCH1 protein function. This variant has not been reported in the literature in individuals affected with PTCH1-related conditions. This variant is not present in population databases (gnomAD no frequency). This sequence change replaces cysteine, which is neutral and slightly polar, with phenylalanine, which is neutral and non-polar, at codon 540 of the PTCH1 protein (p.Cys540Phe).

NM_000264.5(PTCH1):c.1619G>T (p.Cys540Phe)

Gene: PTCH1 (patched 1; minus strand). Cytogenetic location: 9q22.32.
Variant type: single nucleotide variant.
Coding change: c.1619G>T on transcript NM_000264.5 (MANE Select); coding-DNA position 1619, G replaced by T.
Protein change: p.Cys540Phe; replaces cysteine 540 with phenylalanine.
Molecular consequence: missense variant. On other transcripts: non-coding transcript variant (1).
Genome position (GRCh38, 1-based): chr9:95,476,143, C>A on the plus strand (G>T on the coding strand, the complement: PTCH1 is on the minus strand). VCF-style: chr9-95476143-C-A. GRCh37 (hg19) VCF-style: chr9-98238425-C-A.
Other names: c.1421G>T, p.Cys474Phe (NM_001083602.3); c.1616G>T, p.Cys539Phe (NM_001083603.3); c.1166G>T, p.Cys389Phe (NM_001083604.3, NM_001083605.3, NM_001083606.3 and 1 more transcripts); c.1463G>T, p.Cys488Phe (NM_001354918.2); short protein forms C539F, C488F, C474F, C540F, C389F.
Identifiers: ClinVar variation 2954935 (VCV002954935.4), dbSNP rs2118260131, ClinGen allele CA374118090.